The following is an entry in ClinVar:

ClinVar aggregate classification (germline): Uncertain significance. Review status: criteria provided, multiple submitters, no conflicts (2 of 4 stars). 2 submissions from 2 submitters: Uncertain significance (2). Last evaluated 2022-11-22.

Submissions (2):

Labcorp Genetics (formerly Invitae), Labcorp
Classification: Uncertain significance. Last evaluated: 2022-11-22. Review status: criteria provided, single submitter. Criteria: Invitae Variant Classification Sherloc (09022015). Collection method: clinical testing. Allele origin: germline.
Comment: This sequence change falls in intron 2 of the ADAM9 gene. It does not directly change the encoded amino acid sequence of the ADAM9 protein. It affects a nucleotide within the consensus splice site. This variant is not present in population databases (gnomAD no frequency). This variant has not been reported in the literature in individuals affected with ADAM9-related conditions. Variants that disrupt the consensus splice site are a relatively common cause of aberrant splicing (PMID: 17576681, 9536098). Algorithms developed to predict the effect of sequence changes on RNA splicing suggest that this variant may disrupt the consensus splice site. In summary, the available evidence is currently insufficient to determine the role of this variant in disease. Therefore, it has been classified as a Variant of Uncertain Significance.

Blueprint Genetics
Classification: Uncertain significance. Last evaluated: 2020-01-14. Review status: criteria provided, single submitter. Criteria: ACMG Guidelines, 2015. Collection method: clinical testing. Allele origin: germline.

Literature cited by the submitters: PubMed 17576681 (cited by Labcorp Genetics (formerly Invitae), Labcorp); PubMed 9536098 (cited by Labcorp Genetics (formerly Invitae), Labcorp).

NM_003816.3(ADAM9):c.195+5G>A

Gene: ADAM9 (ADAM metallopeptidase domain 9; plus strand). Cytogenetic location: 8p11.22.
Variant type: single nucleotide variant.
Coding change: c.195+5G>A on transcript NM_003816.3 (MANE Select); 5 bases into the intron after coding-DNA position 195, G replaced by A.
Molecular consequence: intron variant.
Genome position (GRCh38, 1-based): chr8:39,007,988, G>A. VCF-style: chr8-39007988-G-A. GRCh37 (hg19) VCF-style: chr8-38865507-G-A.
Identifiers: ClinVar variation 2037961 (VCV002037961.5), dbSNP rs1588324383, ClinGen allele CA1777805318.